The following is an entry in ClinVar:

ClinVar aggregate classification (germline): Uncertain significance. Review status: criteria provided, multiple submitters, no conflicts (2 of 4 stars). 5 submissions from 5 submitters: Uncertain significance (4). 1 of the submissions does not count toward it. Last evaluated 2025-11-08.

Conditions:
Mitochondrial complex I deficiency. Also called: NADH:Q(1) OXIDOREDUCTASE DEFICIENCY. Identifiers: Orphanet 2609, MedGen C1838979, MeSH C537475, MONDO:0100133.

Allele frequency attached by ClinVar (database versions not stated): 1000 Genomes Project 30x 0.00016; 1000 Genomes Project 0.00020; ESP Exome Variant Server 0.00023; TOPMed 0.00051.
gnomAD v4.1: 707 of 1,614,120 alleles (0.044%); highest among the groups gnomAD compares: Non-Finnish European, 0.056%; no homozygotes.

Submissions (5):

Labcorp Genetics (formerly Invitae), Labcorp
Classification: Uncertain significance. Last evaluated: 2025-11-08. Review status: criteria provided, single submitter. Criteria: Invitae Variant Classification Sherloc (09022015). Collection method: clinical testing. Allele origin: germline.
Comment: This sequence change replaces arginine, which is basic and polar, with glycine, which is neutral and non-polar, at codon 158 of the NDUFB9 protein (p.Arg158Gly). This variant is present in population databases (rs148402231, gnomAD 0.05%). This variant has not been reported in the literature in individuals affected with NDUFB9-related conditions. ClinVar contains an entry for this variant (Variation ID: 214765). An algorithm developed to predict the effect of missense changes on protein structure and function (PolyPhen-2) suggests that this variant is likely to be tolerated. In summary, the available evidence is currently insufficient to determine the role of this variant in disease. Therefore, it has been classified as a Variant of Uncertain Significance.

CeGaT Center for Human Genetics Tuebingen
Classification: Uncertain significance. Last evaluated: 2022-10-01. Review status: criteria provided, single submitter. Criteria: CeGaT Center For Human Genetics Tuebingen Variant Classification Criteria Version 2. Collection method: clinical testing. Allele origin: germline. Affected: yes. Observed: 1 variant allele.

Department of Pathology and Laboratory Medicine, Sinai Health System
Classification: Uncertain significance for mitochondrial complex I deficiency. Last evaluated: 2021-05-31. Review status: criteria provided, single submitter. Criteria: ACMG Guidelines, 2015. Collection method: research. Allele origin: germline.

GeneDx
Classification: Uncertain significance. Last evaluated: 2018-11-26. Review status: criteria provided, single submitter. Criteria: GeneDx Variant Classification (06012015). Collection method: clinical testing. Allele origin: germline. Affected: yes.
Comment: p.Arg158Gly (CGA>GGA): c.472 C>G in exon 4 of the NDUFB9 gene (NM_005005.2) A variant of unknown significance has been identified in the NDUFB9 gene. The R158G variant has not been published as a mutation, nor has it been reported as a benign polymorphism to our knowledge. The R158G variant is a non-conservative amino acid substitution, which is likely to impact secondary protein structure as these residues differ in polarity, charge, size and/or other properties. This substitution occurs at a position that is conserved across species. In silico analysis is inconsistent in its predictions as to whether or not the variant is damaging to the protein structure/function. Therefore, based on the currently available information, it is unclear whether this variant is a pathogenic mutation or a rare benign variant. The variant is found in MITONUC-MITOP panel(s).

Mayo Clinic Laboratories, Mayo Clinic
Classification: Uncertain significance. Last evaluated: 2016-02-23. Review status: no assertion criteria provided. Collection method: clinical testing. Allele origin: unknown. Not counted in ClinVar's aggregate classification.

NM_005005.3(NDUFB9):c.472C>G (p.Arg158Gly)

Gene: NDUFB9 (NADH:ubiquinone oxidoreductase subunit B9; plus strand). Cytogenetic location: 8q24.13.
Variant type: single nucleotide variant.
Coding change: c.472C>G on transcript NM_005005.3 (MANE Select); coding-DNA position 472, C replaced by G.
Protein change: p.Arg158Gly; replaces arginine 158 with glycine.
Molecular consequence: missense variant.
Genome position (GRCh38, 1-based): chr8:124,549,824, C>G. VCF-style: chr8-124549824-C-G. GRCh37 (hg19) VCF-style: chr8-125562065-C-G.
Other names: p.R158G:CGA>GGA; c.304C>G, p.Arg102Gly (NM_001278645.2); c.343C>G, p.Arg115Gly (NM_001278646.2); c.439C>G, p.Arg147Gly (NM_001311168.2); short protein forms R158G, R147G, R102G, R115G.
Identifiers: ClinVar variation 214765 (VCV000214765.41), dbSNP rs148402231, ClinGen allele CA320693.